The following is an entry in ClinVar:

NM_001267550.2(TTN):c.30819T>C (p.Asp10273=)

Gene: TTN (titin; minus strand). Cytogenetic location: 2q31.2.
Variant type: single nucleotide variant.
Coding change: c.30819T>C on transcript NM_001267550.2 (MANE Select); coding-DNA position 30819, T replaced by C.
Protein change: p.Asp10273=; no amino-acid change (aspartic acid 10273 retained).
Molecular consequence: synonymous variant. On other transcripts: intron variant (3).
Genome position (GRCh38, 1-based): chr2:178,696,253, A>G on the plus strand (T>C on the coding strand, the complement: TTN is on the minus strand). VCF-style: chr2-178696253-A-G. GRCh37 (hg19) VCF-style: chr2-179560980-A-G.
Other names: c.29868T>C, p.Asp9956= (NM_001256850.1); c.27087T>C, p.Asp9029= (NM_133378.4); c.13282+41829T>C (NM_003319.4); c.13858+41829T>C (NM_133437.4); c.13657+41829T>C (NM_133432.3).
Identifiers: ClinVar variation 5041899 (VCV005041899.1).
Genomic context (GRCh38, chr2:178,696,253, plus strand): 5'-CTGAACCTCTTTCTTTCTGGTTATAGTCATTATTTTTACTTCTTCAGCTTTAGAGGATAC[A>G]TCAATGATTTCAGGAGCTAAAATAGATAAAGATACTATTAGCATATTAATTCTATCCATC-3'
Protein context (NP_001254479.2, residues 10263-10283): LIPAKAPEII[Asp10273=]VSSKAEEVKI

ClinVar aggregate classification (germline): Likely benign (1 of 4 stars; one submission).

Submission:

CeGaT Center for Human Genetics Tuebingen
Classification: Likely benign. Last evaluated: 2026-09-01. Review status: criteria provided, single submitter. Criteria: CeGaT Center For Human Genetics Tuebingen Variant Classification Criteria Version 2. Collection method: clinical testing. Allele origin: germline. Affected: yes. Observed: 1 variant allele.
Comment: TTN: BP4, BP7